The following is an entry in ClinVar:

NM_001127222.2(CACNA1A):c.4250G>T (p.Arg1417Leu)

Genes: CACNA1A (calcium voltage-gated channel subunit alpha1 A; minus strand), LOC126862864 (MED14-independent group 3 enhancer GRCh37_chr19:13371552-13372751; plus strand). Cytogenetic location: 19p13.13.
Variant type: single nucleotide variant.
Coding change: c.4250G>T on transcript NM_001127222.2 (MANE Select); coding-DNA position 4250, G replaced by T.
Protein change: p.Arg1417Leu; replaces arginine 1417 with leucine.
Molecular consequence: missense variant.
Genome position (GRCh38, 1-based): chr19:13,261,450, C>A on the plus strand (G>T on the coding strand, the complement: CACNA1A is on the minus strand). VCF-style: chr19-13261450-C-A. GRCh37 (hg19) VCF-style: chr19-13372264-C-A.
Other names: NC_000019.9:g.13372264C>A; c.4262G>T, p.Arg1421Leu (NM_000068.4, NM_023035.3); c.4253G>T, p.Arg1418Leu (NM_001127221.2, NM_001174080.2); short protein forms R1417L, R1418L, R1421L.
Identifiers: ClinVar variation 1804714 (VCV001804714.3), dbSNP rs1568471977, ClinGen allele CA404339519.

ClinVar aggregate classification (germline): Conflicting classifications of pathogenicity. Review status: criteria provided, conflicting classifications (1 of 4 stars). 2 submissions from 2 submitters: Likely pathogenic (1); Uncertain significance (1). Last evaluated 2026-02-20.

gnomAD v4.1: 1 of 1,566,736 alleles (0.000064%); highest among the groups gnomAD compares: South Asian, 0.0012%; no homozygotes.

Submissions (3):

GeneDx
Classification: Likely pathogenic. Last evaluated: 2026-02-20. Review status: criteria provided, single submitter. Criteria: GeneDx Variant Classification Process June 2021. Collection method: clinical testing. Allele origin: germline.
Comment: Alters the last nucleotide of the exon and is predicted to destroy the splice donor site and result in aberrant splicing, although in the absence of functional evidence the actual effect of this sequence change is unknown; Not observed at significant frequency in large population cohorts (gnomAD); Has not been previously published as pathogenic or benign to our knowledge

Women's Health and Genetics/Laboratory Corporation of America, LabCorp
Classification: Uncertain significance. Last evaluated: 2022-11-17. Review status: criteria provided, single submitter. Criteria: LabCorp Variant Classification Summary - May 2015. Collection method: clinical testing. Allele origin: germline.
Comment: Variant summary: CACNA1A c.4253G>T (p.Arg1418Leu) results in a non-conservative amino acid change located in the Ion transport domain (IPR005821) of the encoded protein sequence. Five of five in-silico tools predict a damaging effect of the variant on protein function. Several computational tools predict a significant impact on normal splicing: Three predict the variant abolishes a 5' splicing donor site. However, these predictions have yet to be confirmed by functional studies. The variant was absent in 177528 control chromosomes. The available data on variant occurrences in the general population are insufficient to allow any conclusion about variant significance. To our knowledge, no occurrence of c.4253G>T in individuals affected with Epileptic Encephalopathy, Early Infantile, 42 and no experimental evidence demonstrating its impact on protein function have been reported. No clinical diagnostic laboratories have submitted clinical-significance assessments for this variant to ClinVar after 2014. Based on the evidence outlined above, the variant was classified as uncertain significance.

Dr. Peter K. Rogan Lab, Western University
No classification provided (evidence only). Condition: Papillary renal cell carcinoma type 1. Review status: no classification provided. Collection method: in vitro. Allele origin: not applicable. Functional consequence: retained intron. Not counted in ClinVar's aggregate classification.